The following is an entry in ClinVar:

NM_001276270.2(MBD4):c.462A>G (p.Arg154=)

Gene: MBD4 (methyl-CpG binding domain 4, DNA glycosylase; minus strand). Cytogenetic location: 3q21.3.
Variant type: single nucleotide variant.
Coding change: c.462A>G on transcript NM_001276270.2 (MANE Select); coding-DNA position 462, A replaced by G.
Protein change: p.Arg154=; no amino-acid change (arginine 154 retained).
Molecular consequence: synonymous variant. On other transcripts: intron variant (1).
Genome position (GRCh38, 1-based): chr3:129,437,182, T>C on the plus strand (A>G on the coding strand, the complement: MBD4 is on the minus strand). VCF-style: chr3-129437182-T-C. GRCh37 (hg19) VCF-style: chr3-129156025-T-C.
Other names: c.462A>G, p.Arg154= (NM_001276271.2, NM_001276272.2, NM_003925.3); c.247+626A>G (NM_001276273.2).
Identifiers: ClinVar variation 4875946 (VCV004875946.1).

ClinVar aggregate classification (germline): Benign (1 of 4 stars; one submission).

Conditions:
Tumor predisposition syndrome 2 (TPDS2). Also called: MBD4-ASSOCIATED NEOPLASIA SYNDROME; MBD4-Related Tumor Predisposition Syndrome; MBD4-associated neoplasia syndrome (MANS). Identifiers: Orphanet 661526, MedGen C5774186, MONDO:0859267, OMIM 619975.

gnomAD v4.1: 1 of 1,614,102 alleles (0.000062%); highest among the groups gnomAD compares: African/African-American, 0.0013%; no homozygotes.

Submission:

Myriad Genetics, Inc.
Classification: Benign for Tumor predisposition syndrome 2. Last evaluated: 2026-06-11. Review status: criteria provided, single submitter. Criteria: Myriad Autosomal Dominant, Autosomal Recessive and X-Linked Classification Criteria (2023). Collection method: clinical testing. Allele origin: unknown.
Comment: This variant is considered benign. This variant is a silent/synonymous amino acid change and it is not expected to impact splicing.